The following is an entry in ClinVar:

ClinVar aggregate classification (germline): Uncertain significance (1 of 4 stars; one submission).

gnomAD v4.1: 3 of 1,614,108 alleles (0.00019%); highest among the groups gnomAD compares: Non-Finnish European, 0.00025%; no homozygotes.

Submission:

ARUP Laboratories, Molecular Genetics and Genomics, ARUP Laboratories
Classification: Uncertain significance. Last evaluated: 2022-03-01. Review status: criteria provided, single submitter. Criteria: ARUP Molecular Germline Variant Investigation Process 2021. Collection method: clinical testing. Allele origin: germline.
Comment: The DYNC1H1 c.1573C>T; p.Leu525Phe variant, to our knowledge, is not reported in the medical literature or gene specific databases. This variant is also absent from the Genome Aggregation Database, indicating it is not a common polymorphism. The leucine at codon 525 is highly conserved, and computational analyses are uncertain whether this variant is neutral or deleterious (REVEL: 0.161). Due to limited information, the clinical significance of this variant is uncertain at this time.

NM_001376.5(DYNC1H1):c.1573C>T (p.Leu525Phe)

Gene: DYNC1H1 (dynein cytoplasmic 1 heavy chain 1; plus strand). Cytogenetic location: 14q32.31.
Variant type: single nucleotide variant.
Coding change: c.1573C>T on transcript NM_001376.5 (MANE Select); coding-DNA position 1573, C replaced by T.
Protein change: p.Leu525Phe; replaces leucine 525 with phenylalanine.
Molecular consequence: missense variant.
Genome position (GRCh38, 1-based): chr14:101,985,798, C>T. VCF-style: chr14-101985798-C-T. GRCh37 (hg19) VCF-style: chr14-102452135-C-T.
Other names: short protein forms L525F.
Identifiers: ClinVar variation 2428742 (VCV002428742.3), dbSNP rs767736004, ClinGen allele CA391018464.